The following is an entry in ClinVar:

ClinVar aggregate classification (germline): Benign/Likely benign. Review status: criteria provided, multiple submitters, no conflicts (2 of 4 stars). 5 submissions from 5 submitters: Benign (1); Likely benign (3). 1 of the submissions does not count toward it. Last evaluated 2026-02-02.

Conditions:
TANGO2-related disorder. Also called: TANGO2-related condition.

Allele frequency attached by ClinVar (database versions not stated): 1000 Genomes Project 0.00419; gnomAD 0.00439 and 0.00468; TOPMed 0.00503; ESP Exome Variant Server 0.00531; 1000 Genomes Project 30x 0.00562.
gnomAD v4.1: 1,431 of 1,614,162 alleles (0.089%); highest among the groups gnomAD compares: African/African-American, 1.5%; 12 homozygotes.

Submissions (5):

Labcorp Genetics (formerly Invitae), Labcorp
Classification: Benign. Last evaluated: 2026-02-02. Review status: criteria provided, single submitter. Criteria: Invitae Variant Classification Sherloc (09022015). Collection method: clinical testing. Allele origin: germline.

Blueprint Genetics
Classification: Likely benign. Last evaluated: 2024-11-07. Review status: criteria provided, single submitter. Criteria: ACMG Guidelines, 2015. Collection method: clinical testing. Allele origin: germline.

GeneDx
Classification: Likely benign. Last evaluated: 2021-02-19. Review status: criteria provided, single submitter. Criteria: GeneDx Variant Classification Process June 2021. Collection method: clinical testing. Allele origin: germline. Affected: yes.

Breakthrough Genomics
Classification: Likely benign. Review status: criteria provided, single submitter. Criteria: ACMG Guidelines, 2015. Collection method: not provided. Allele origin: germline. Inheritance: Autosomal recessive inheritance. Affected: yes.

PreventionGenetics, part of Exact Sciences
Classification: Benign for TANGO2-related condition. Last evaluated: 2019-08-07. Review status: no assertion criteria provided. Collection method: clinical testing. Allele origin: germline. Not counted in ClinVar's aggregate classification.
Comment: This variant is classified as benign based on ACMG/AMP sequence variant interpretation guidelines (Richards et al. 2015 PMID: 25741868, with internal and published modifications).

NM_152906.7(TANGO2):c.789C>T (p.Ser263=)

Gene: TANGO2 (transport and golgi organization 2 homolog; plus strand). Cytogenetic location: 22q11.21.
Variant type: single nucleotide variant.
Coding change: c.789C>T on transcript NM_152906.7 (MANE Select); coding-DNA position 789, C replaced by T.
Protein change: p.Ser263=; no amino-acid change (serine 263 retained).
Molecular consequence: synonymous variant. On other transcripts: 3 prime UTR variant (7), non-coding transcript variant (5).
Genome position (GRCh38, 1-based): chr22:20,064,620, C>T. VCF-style: chr22-20064620-C-T. GRCh37 (hg19) VCF-style: chr22-20052143-C-T.
Other names: c.789C>T, p.Ser263= (NM_001283106.3, NM_001283116.3); c.912C>T, p.Ser304= (NM_001283129.3, NM_001322143.2); c.*28C>T (NM_001283148.3, NM_001283154.3, NM_001322144.2 and 2 more transcripts); c.603C>T, p.Ser201= (NM_001283179.3, NM_001283186.3, NM_001322163.2 and 2 more transcripts); c.564C>T, p.Ser188= (NM_001283199.3); c.*56C>T (NM_001283215.3); c.495C>T, p.Ser165= (NM_001283235.3, NM_001322171.2, NM_001322172.2 and 3 more transcripts); c.*125C>T (NM_001283248.3); and 6 more.
Identifiers: ClinVar variation 788628 (VCV000788628.17), dbSNP rs34082990, ClinGen allele CA10106583.